The following is an entry in ClinVar:

NM_001367873.1(SOX6):c.650C>T (p.Ala217Val)

Gene: SOX6 (SRY-box transcription factor 6; minus strand). Cytogenetic location: 11p15.2.
Variant type: single nucleotide variant.
Coding change: c.650C>T on transcript NM_001367873.1 (MANE Select); coding-DNA position 650, C replaced by T.
Protein change: p.Ala217Val; replaces alanine 217 with valine.
Molecular consequence: missense variant.
Genome position (GRCh38, 1-based): chr11:16,186,841, G>A on the plus strand (C>T on the coding strand, the complement: SOX6 is on the minus strand). VCF-style: chr11-16186841-G-A. GRCh37 (hg19) VCF-style: chr11-16208387-G-A.
Other names: c.650C>T, p.Ala217Val (NM_017508.3, NM_033326.3, NM_001145811.2 and 2 more transcripts); short protein forms A217V.
Identifiers: ClinVar variation 2641636 (VCV002641636.24), dbSNP rs1480487824, ClinGen allele CA379877822.

ClinVar aggregate classification (germline): Uncertain significance (1 of 4 stars; one submission).

Allele frequency attached by ClinVar (database versions not stated): gnomAD 0.00001; gnomAD exomes 0.00001.
gnomAD v4.1: 9 of 1,613,552 alleles (0.00056%); highest among the groups gnomAD compares: Admixed American, 0.0067%; no homozygotes.

Submission:

CeGaT Center for Human Genetics Tuebingen
Classification: Uncertain significance. Last evaluated: 2023-04-01. Review status: criteria provided, single submitter. Criteria: CeGaT Center For Human Genetics Tuebingen Variant Classification Criteria Version 2. Collection method: clinical testing. Allele origin: germline. Affected: yes. Observed: 1 variant allele.
Comment: SOX6: PP3